The following is an entry in ClinVar:

ClinVar aggregate classification (germline): Uncertain significance (1 of 4 stars; one submission).

Submission:

GeneDx
Classification: Uncertain significance. Last evaluated: 2025-01-31. Review status: criteria provided, single submitter. Criteria: GeneDx Variant Classification Process June 2021. Collection method: clinical testing. Allele origin: germline. Affected: yes.
Comment: Not observed at significant frequency in large population cohorts (gnomAD); In silico analysis supports that this missense variant has a deleterious effect on protein structure/function; Has not been previously published as pathogenic or benign to our knowledge

NM_014423.4(AFF4):c.180T>A (p.Asp60Glu)

Gene: AFF4 (ALF transcription elongation factor 4; minus strand). Cytogenetic location: 5q31.1.
Variant type: single nucleotide variant.
Coding change: c.180T>A on transcript NM_014423.4 (MANE Select); coding-DNA position 180, T replaced by A.
Protein change: p.Asp60Glu; replaces aspartic acid 60 with glutamic acid.
Molecular consequence: missense variant.
Genome position (GRCh38, 1-based): chr5:132,934,885, A>T on the plus strand (T>A on the coding strand, the complement: AFF4 is on the minus strand). VCF-style: chr5-132934885-A-T. GRCh37 (hg19) VCF-style: chr5-132270577-A-T.
Other names: short protein forms D60E.
Identifiers: ClinVar variation 4072682 (VCV004072682.1).
Genomic context (GRCh38, chr5:132,934,885, plus strand): 5'-AGGCTTGGGAATTGCAACAAGCTTTGGTATAGATCTGTCTCCTATGAAATCCTTCATTTC[A>T]TCGTAGTTTCCAAGCATACTCTGAATACGACTTGATAACTTATCTTCTTTGCTAGTCTAC-3'
Protein context (NP_055238.1, residues 50-70): SRIQSMLGNY[Asp60Glu]EMKDFIGDRS